The following is an entry in ClinVar:

ClinVar aggregate classification (germline): Uncertain significance (1 of 4 stars; one submission).

Submission:

GeneDx
Classification: Uncertain significance. Last evaluated: 2021-12-04. Review status: criteria provided, single submitter. Criteria: GeneDx Variant Classification Process June 2021. Collection method: clinical testing. Allele origin: germline. Affected: yes.
Comment: Not observed at significant frequency in large population cohorts (Lek et al., 2016); In silico analysis supports that this missense variant has a deleterious effect on protein structure/function; Has not been previously published as pathogenic or benign to our knowledge; This variant is associated with the following publications: (PMID: 27535533)

NM_001005273.3(CHD3):c.2474T>G (p.Ile825Ser)

Gene: CHD3 (chromodomain helicase DNA binding protein 3; plus strand). Cytogenetic location: 17p13.1.
Variant type: single nucleotide variant.
Coding change: c.2474T>G on transcript NM_001005273.3 (MANE Select); coding-DNA position 2474, T replaced by G.
Protein change: p.Ile825Ser; replaces isoleucine 825 with serine.
Molecular consequence: missense variant.
Genome position (GRCh38, 1-based): chr17:7,899,473, T>G. VCF-style: chr17-7899473-T-G. GRCh37 (hg19) VCF-style: chr17-7802791-T-G.
Other names: c.2651T>G, p.Ile884Ser (NM_001005271.3); c.2474T>G, p.Ile825Ser (NM_005852.4); short protein forms I825S, I884S.
Identifiers: ClinVar variation 1327772 (VCV001327772.2), dbSNP rs2151564258, ClinGen allele CA397937980.